The following is an entry in ClinVar:

NM_013275.6(ANKRD11):c.6843A>G (p.Gln2281=)

Gene: ANKRD11 (ankyrin repeat domain 11; minus strand). Cytogenetic location: 16q24.3.
Variant type: single nucleotide variant.
Coding change: c.6843A>G on transcript NM_013275.6 (MANE Select); coding-DNA position 6843, A replaced by G.
Protein change: p.Gln2281=; no amino-acid change (glutamine 2281 retained).
Molecular consequence: synonymous variant.
Genome position (GRCh38, 1-based): chr16:89,279,699, T>C on the plus strand (A>G on the coding strand, the complement: ANKRD11 is on the minus strand). VCF-style: chr16-89279699-T-C. GRCh37 (hg19) VCF-style: chr16-89346107-T-C.
Other names: c.6843A>G, p.Gln2281= (NM_001256182.2, NM_001256183.2).
Identifiers: ClinVar variation 3571594 (VCV003571594.3).

ClinVar aggregate classification (germline): Conflicting classifications of pathogenicity. Review status: criteria provided, conflicting classifications (1 of 4 stars). 2 submissions from 2 submitters: Uncertain significance (1); Likely benign (1). Last evaluated 2025-09-27.

Conditions:
KBG syndrome (KBGS). Also called: ANKRD11-Related KBG Syndrome. Identifiers: Orphanet 2332, MedGen C0220687, MONDO:0007846, OMIM 148050.

gnomAD v4.1: 5 of 1,509,724 alleles (0.00033%); highest among the groups gnomAD compares: Admixed American, 0.01%; no homozygotes.

Submissions (2):

Labcorp Genetics (formerly Invitae), Labcorp
Classification: Likely benign for KBG syndrome. Last evaluated: 2025-09-27. Review status: criteria provided, single submitter. Criteria: Invitae Variant Classification Sherloc (09022015). Collection method: clinical testing. Allele origin: germline.

Athena Diagnostics
Classification: Uncertain significance. Last evaluated: 2024-10-01. Review status: criteria provided, single submitter. Criteria: Athena Diagnostics Criteria. Collection method: clinical testing. Allele origin: unknown.
Comment: Available data are insufficient to determine the clinical significance of the variant at this time. The frequency of this variant in the general population is higher than would generally be expected for pathogenic variants in this gene. Computational tools yielded predictions that this variant may result in the gain of a cryptic splice site without affecting the natural splice sites.